The following is an entry in ClinVar:

NM_000489.6(ATRX):c.6484G>A (p.Val2162Ile)

Gene: ATRX (ATRX chromatin remodeler; minus strand). Cytogenetic location: Xq21.1.
Variant type: single nucleotide variant.
Coding change: c.6484G>A on transcript NM_000489.6 (MANE Select); coding-DNA position 6484, G replaced by A.
Protein change: p.Val2162Ile; replaces valine 2162 with isoleucine.
Molecular consequence: missense variant.
Genome position (GRCh38, 1-based): chrX:77,558,689, C>T on the plus strand (G>A on the coding strand, the complement: ATRX is on the minus strand). VCF-style: chrX-77558689-C-T. GRCh37 (hg19) VCF-style: chrX-76814160-C-T.
Other names: c.6370G>A, p.Val2124Ile (NM_138270.5); short protein forms V2162I, V2124I.
Identifiers: ClinVar variation 569788 (VCV000569788.10), dbSNP rs1569523175, ClinGen allele CA413699012.

ClinVar aggregate classification (germline): Uncertain significance. Review status: criteria provided, multiple submitters, no conflicts (2 of 4 stars). 2 submissions from 2 submitters: Uncertain significance (2). Last evaluated 2019-06-06.

Conditions:
Alpha thalassemia-X-linked intellectual disability syndrome (ATRX). Also called: ALPHA-THALASSEMIA/MENTAL RETARDATION SYNDROME, X-LINKED; ATR, NONDELETION TYPE; ALPHA-THALASSEMIA/IMPAIRED INTELLECTUAL DEVELOPMENT SYNDROME, X-LINKED; X-linked alpha-thalassemia-mental retardation syndrome; ATR-X syndrome; Alpha thalassemia mental retardation syndrome, nondeletion type, X-linked. Identifiers: Orphanet 847, MedGen C1845055, MONDO:0010519, OMIM 301040.

Submissions (2):

GeneDx
Classification: Uncertain significance. Last evaluated: 2019-06-06. Review status: criteria provided, single submitter. Criteria: GeneDx Variant Classification Process June 2021. Collection method: clinical testing. Allele origin: germline. Affected: yes.
Comment: Has not been previously published as pathogenic or benign to our knowledge; Not observed in large population cohorts (Lek et al., 2016); In silico analysis, which includes protein predictors and evolutionary conservation, supports that this variant does not alter protein structure/function

Labcorp Genetics (formerly Invitae), Labcorp
Classification: Uncertain significance for Alpha thalassemia-X-linked intellectual disability syndrome. Last evaluated: 2018-03-08. Review status: criteria provided, single submitter. Criteria: Invitae Variant Classification Sherloc (09022015). Collection method: clinical testing. Allele origin: germline.
Comment: This sequence change replaces valine with isoleucine at codon 2162 of the ATRX protein (p.Val2162Ile). The valine residue is highly conserved and there is a small physicochemical difference between valine and isoleucine. In summary, the available evidence is currently insufficient to determine the role of this variant in disease. Therefore, it has been classified as a Variant of Uncertain Significance. Algorithms developed to predict the effect of missense changes on protein structure and function (SIFT, PolyPhen-2, Align-GVGD) all suggest that this variant is likely to be tolerated, but these predictions have not been confirmed by published functional studies and their clinical significance is uncertain. This variant has not been reported in the literature in individuals with ATRX-related disease. This variant is not present in population databases (ExAC no frequency).